The following is an entry in ClinVar:

Conditions:
Breast-ovarian cancer, familial, susceptibility to, 1 (BROVCA1). Also called: BRCA1 Hereditary Breast and Ovarian Cancer; OVARIAN CANCER, SUSCEPTIBILITY TO. Identifiers: Orphanet 145, MedGen C2676676, MONDO:0011450, OMIM 604370. Disease mechanism: loss of function.

Submission:

Brotman Baty Institute, University of Washington
No classification provided (evidence only). Condition: Breast-ovarian cancer, familial 1. Review status: no classification provided. Collection method: in vitro. Allele origin: not applicable. Functional consequence: functionally_normal.
ClinVar note: "not provided" was previously submitted as the classification for the variant. However, the classification appeared to be based only on an observation of functional data so it was converted to no classification on 2025-07-30.

NM_007294.4(BRCA1):c.232A>C (p.Arg78=)

Gene: BRCA1 (BRCA1 DNA repair associated; minus strand). Cytogenetic location: 17q21.31.
Variant type: single nucleotide variant.
Coding change: c.232A>C on transcript NM_007294.4 (MANE Select); coding-DNA position 232, A replaced by C.
Protein change: p.Arg78=; no amino-acid change (arginine 78 retained).
Molecular consequence: synonymous variant. On other transcripts: 5 prime UTR variant (7), intron variant (2).
Genome position (GRCh38, 1-based): chr17:43,104,937, T>G on the plus strand (A>C on the coding strand, the complement: BRCA1 is on the minus strand). VCF-style: chr17-43104937-T-G. GRCh37 (hg19) VCF-style: chr17-41256954-T-G.
Other names: c.22A>C, p.Arg8= (NM_001407571.1, NM_001407853.1, NM_001407879.1 and 58 more transcripts); c.232A>C, p.Arg78= (NM_001407581.1, NM_001407582.1, NM_001407583.1 and 168 more transcripts); c.154A>C, p.Arg52= (NM_001407653.1, NM_001407654.1, NM_001407655.1 and 21 more transcripts); c.91A>C, p.Arg31= (NM_001407692.1, NM_001407694.1, NM_001407695.1 and 99 more transcripts); c.-150A>C (NM_001407959.1, NM_001407960.1, NM_001407962.1 and 4 more transcripts); c.100A>C, p.Arg34= (NM_001408451.1); c.-218-10077A>C (NM_001407967.1, NM_001407966.1).
Identifiers: ClinVar variation 865582 (VCV000865582.3), dbSNP rs2054692881, ClinGen allele CA500127653.